The following is an entry in ClinVar:

NM_007317.3(KIF22):c.778T>G (p.Leu260Val)

Gene: KIF22 (kinesin family member 22; plus strand). Cytogenetic location: 16p11.2.
Variant type: single nucleotide variant.
Coding change: c.778T>G on transcript NM_007317.3 (MANE Select); coding-DNA position 778, T replaced by G.
Protein change: p.Leu260Val; replaces leucine 260 with valine.
Molecular consequence: missense variant.
Genome position (GRCh38, 1-based): chr16:29,799,282, T>G. VCF-style: chr16-29799282-T-G. GRCh37 (hg19) VCF-style: chr16-29810603-T-G.
Other names: c.574T>G, p.Leu192Val (NM_001256269.2, NM_001256270.1); short protein forms L192V, L260V.
Identifiers: ClinVar variation 1488400 (VCV001488400.6), dbSNP rs779756888, ClinGen allele CA395453283.

ClinVar aggregate classification (germline): Uncertain significance (1 of 4 stars; one submission).

Allele frequency attached by ClinVar (database versions not stated): gnomAD 0.00003.
gnomAD v4.1: 6 of 1,613,778 alleles (0.00037%); highest among the groups gnomAD compares: African/African-American, 0.008%; no homozygotes.

Submission:

Labcorp Genetics (formerly Invitae), Labcorp
Classification: Uncertain significance. Last evaluated: 2021-11-20. Review status: criteria provided, single submitter. Criteria: Invitae Variant Classification Sherloc (09022015). Collection method: clinical testing. Allele origin: germline.
Comment: This sequence change replaces leucine, which is neutral and non-polar, with valine, which is neutral and non-polar, at codon 260 of the KIF22 protein (p.Leu260Val). This variant has not been reported in the literature in individuals affected with KIF22-related conditions. In summary, the available evidence is currently insufficient to determine the role of this variant in disease. Therefore, it has been classified as a Variant of Uncertain Significance. Algorithms developed to predict the effect of missense changes on protein structure and function (SIFT, PolyPhen-2, Align-GVGD) all suggest that this variant is likely to be tolerated. The frequency data for this variant in the population databases is considered unreliable, as metrics indicate poor data quality at this position in the gnomAD database.